The following is an entry in ClinVar:

ClinVar aggregate classification (germline): Benign. Review status: criteria provided, multiple submitters, no conflicts (2 of 4 stars). 2 submissions from 2 submitters: Benign (2). Last evaluated 2018-06-14.

Allele frequency attached by ClinVar (database versions not stated): gnomAD exomes 0.01943; ExAC 0.02334; gnomAD 0.06853 and 0.07307; TOPMed 0.07805; ESP Exome Variant Server 0.07889; 1000 Genomes Project 0.07927; 1000 Genomes Project 30x 0.08542.
gnomAD v4.1: 23,292 of 1,598,636 alleles (1.5%); highest among the groups gnomAD compares: African/African-American, 24%; 2,151 homozygotes.

Submissions (2):

GeneDx
Classification: Benign. Last evaluated: 2018-06-14. Review status: criteria provided, single submitter. Criteria: GeneDx Variant Classification (06012015). Collection method: clinical testing. Allele origin: germline. Affected: yes.
Comment: This variant is considered likely benign or benign based on one or more of the following criteria: it is a conservative change, it occurs at a poorly conserved position in the protein, it is predicted to be benign by multiple in silico algorithms, and/or has population frequency not consistent with disease.

Breakthrough Genomics
Classification: Benign. Review status: criteria provided, single submitter. Criteria: ACMG Guidelines, 2015. Collection method: not provided. Allele origin: germline. Inheritance: Autosomal dominant inheritance. Affected: yes.

NM_201596.3(CACNB2):c.456+42C>G

Gene: CACNB2 (calcium voltage-gated channel auxiliary subunit beta 2; plus strand). Cytogenetic location: 10p12.31.
Variant type: single nucleotide variant.
Coding change: c.456+42C>G on transcript NM_201596.3 (MANE Select); 42 bases into the intron after coding-DNA position 456, C replaced by G.
Molecular consequence: intron variant.
Genome position (GRCh38, 1-based): chr10:18,498,519, C>G. VCF-style: chr10-18498519-C-G. GRCh37 (hg19) VCF-style: chr10-18787448-C-G.
Other names: c.372+42C>G (NM_201571.4, NM_001167945.2, NM_201572.4); c.456+42C>G (NM_201593.3, NM_201597.3); c.291+42C>G (NM_000724.4, NM_001330060.2); c.294+42C>G (NM_201590.3); c.312+42C>G (NM_201570.3).
Identifiers: ClinVar variation 673815 (VCV000673815.2), dbSNP rs12257065, ClinGen allele CA5429623.